The following is an entry in ClinVar:

ClinVar aggregate classification (germline): Uncertain significance (1 of 4 stars; one submission).

gnomAD v4.1: 1 of 1,614,092 alleles (0.000062%); highest among the groups gnomAD compares: Admixed American, 0.0017%; no homozygotes.

Submission:

Ambry Genetics
Classification: Uncertain significance. Last evaluated: 2024-11-18. Review status: criteria provided, single submitter. Criteria: Ambry Variant Classification Scheme 2023. Collection method: clinical testing. Allele origin: germline.
Comment: The p.R123P variant (also known as c.368G>C), located in coding exon 1 of the TET2 gene, results from a G to C substitution at nucleotide position 368. The arginine at codon 123 is replaced by proline, an amino acid with dissimilar properties. This amino acid position is conserved. In addition, this alteration is predicted to be tolerated by in silico analysis. Based on the available evidence, the clinical significance of this variant remains unclear.

NM_001127208.3(TET2):c.368G>C (p.Arg123Pro)

Genes: TET2 (tet methylcytosine dioxygenase 2; plus strand), TET2-AS1 (TET2 antisense RNA 1; minus strand). Cytogenetic location: 4q24.
Variant type: single nucleotide variant.
Coding change: c.368G>C on transcript NM_001127208.3 (MANE Select); coding-DNA position 368, G replaced by C.
Protein change: p.Arg123Pro; replaces arginine 123 with proline.
Molecular consequence: missense variant.
Genome position (GRCh38, 1-based): chr4:105,234,310, G>C. VCF-style: chr4-105234310-G-C. GRCh37 (hg19) VCF-style: chr4-106155467-G-C.
Other names: c.368G>C, p.Arg123Pro (NM_017628.4); short protein forms R123P.
Identifiers: ClinVar variation 3455296 (VCV003455296.1).